The following is an entry in ClinVar:

NM_000631.5(NCF4):c.443G>A (p.Arg148His)

Gene: NCF4 (neutrophil cytosolic factor 4; plus strand). Cytogenetic location: 22q12.3.
Variant type: single nucleotide variant.
Coding change: c.443G>A on transcript NM_000631.5 (MANE Select); coding-DNA position 443, G replaced by A.
Protein change: p.Arg148His; replaces arginine 148 with histidine.
Molecular consequence: missense variant.
Genome position (GRCh38, 1-based): chr22:36,870,515, G>A. VCF-style: chr22-36870515-G-A. GRCh37 (hg19) VCF-style: chr22-37266557-G-A.
Other names: c.443G>A, p.Arg148His (NM_013416.4); short protein forms R148H.
Identifiers: ClinVar variation 2421680 (VCV002421680.9), dbSNP rs376709783, ClinGen allele CA10212991.

ClinVar aggregate classification (germline): Uncertain significance. Review status: criteria provided, multiple submitters, no conflicts (2 of 4 stars). 2 submissions from 2 submitters: Uncertain significance (2). Last evaluated 2025-08-09.

Conditions:
Granulomatous disease, chronic, autosomal recessive, cytochrome b-positive, type 3. Also called: GRANULOMATOUS DISEASE, CHRONIC, AUTOSOMAL RECESSIVE, 3; Granulomatous disease, chronic, autosomal recessive, cytochrome b-positive, type III; GRANULOMATOUS DISEASE, CHRONIC, DUE TO NCF4 DEFICIENCY; CGD, AUTOSOMAL RECESSIVE CYTOCHROME b-POSITIVE, TYPE III. Identifiers: Orphanet 379, MedGen C3151409, MONDO:0013507, OMIM 613960.

Allele frequency attached by ClinVar (database versions not stated): gnomAD exomes 0.00001; TOPMed 0.00001; ExAC 0.00002; ESP Exome Variant Server 0.00008.
gnomAD v4.1: 11 of 1,613,176 alleles (0.00068%); highest among the groups gnomAD compares: South Asian, 0.0033%; no homozygotes.

Submissions (2):

Ambry Genetics
Classification: Uncertain significance. Last evaluated: 2025-08-09. Review status: criteria provided, single submitter. Criteria: Ambry Variant Classification Scheme 2023. Collection method: clinical testing. Allele origin: germline.

Labcorp Genetics (formerly Invitae), Labcorp
Classification: Uncertain significance for Granulomatous disease, chronic, autosomal recessive, cytochrome b-positive, type 3. Last evaluated: 2022-08-03. Review status: criteria provided, single submitter. Criteria: Invitae Variant Classification Sherloc (09022015). Collection method: clinical testing. Allele origin: germline.
Comment: In summary, the available evidence is currently insufficient to determine the role of this variant in disease. Therefore, it has been classified as a Variant of Uncertain Significance. Algorithms developed to predict the effect of missense changes on protein structure and function are either unavailable or do not agree on the potential impact of this missense change (SIFT: "Deleterious"; PolyPhen-2: "Possibly Damaging"; Align-GVGD: "Class C0"). This variant has not been reported in the literature in individuals affected with NCF4-related conditions. This variant is present in population databases (rs376709783, gnomAD 0.003%). This sequence change replaces arginine, which is basic and polar, with histidine, which is basic and polar, at codon 148 of the NCF4 protein (p.Arg148His).